The following is an entry in ClinVar:

NM_001042492.3(NF1):c.6913del (p.Asn2306fs)

Gene: NF1 (neurofibromin 1; plus strand). Cytogenetic location: 17q11.2.
Variant type: Deletion.
Coding change: c.6913del on transcript NM_001042492.3 (MANE Select); coding-DNA position 6913, one base deleted (C; older notation c.6913delC).
Protein change: p.Asn2306fs; shifts the reading frame from asparagine 2306.
Molecular consequence: frameshift variant.
Genome position (GRCh38, 1-based): chr17:31,338,797, C deleted. VCF-style (leftmost placement, unchanged base first): chr17-31338796-TC-T. GRCh37 (hg19) VCF-style: chr17-29665814-TC-T.
Other names: c.6850delC, p.Asn2285Ilefs (NM_000267.4); c.6850delC (NM_000267.3); short protein forms N2285fs, N2306fs.
Identifiers: ClinVar variation 2865460 (VCV002865460.4), dbSNP rs2508763224, ClinGen allele CA2739267438.

ClinVar aggregate classification (germline): Pathogenic. Review status: criteria provided, multiple submitters, no conflicts (2 of 4 stars). 2 submissions from 2 submitters: Pathogenic (2). Last evaluated 2026-06-24.

Conditions:
Neurofibromatosis, type 1 (NF1). Also called: Peripheral type neurofibromatosis; Neurofibromatosis, type I; VON RECKLINGHAUSEN DISEASE; NEUROFIBROMATOSIS, TYPE I, SOMATIC. Identifiers: Orphanet 636, MedGen C0027831, MONDO:0018975, OMIM 162200. Disease mechanism: loss of function.
Cardiovascular phenotype. Identifiers: MedGen CN230736.
Hereditary cancer-predisposing syndrome. Also called: Hereditary Cancer Syndrome; Hereditary neoplastic syndrome; Neoplastic Syndromes, Hereditary; Tumor predisposition. Identifiers: Orphanet 140162, MedGen C0027672, MeSH D009386, MONDO:0015356.

Submissions (2):

Ambry Genetics
Classification: Pathogenic for Cardiovascular phenotype; Hereditary cancer-predisposing syndrome. Last evaluated: 2026-06-24. Review status: criteria provided, single submitter. Criteria: Ambry Variant Classification Scheme 2023. Collection method: clinical testing. Allele origin: germline.
Comment: The c.6850delC pathogenic mutation, located in coding exon 45 of the NF1 gene, results from a deletion of one nucleotide at nucleotide position 6850, causing a translational frameshift with a predicted alternate stop codon (p.N2285Ifs*13). This variant is considered to be rare based on population cohorts in the Genome Aggregation Database (gnomAD). This alteration is expected to result in loss of function by premature protein truncation or nonsense-mediated mRNA decay. As such, this alteration is interpreted as a disease-causing mutation.

Labcorp Genetics (formerly Invitae), Labcorp
Classification: Pathogenic for Neurofibromatosis, type 1. Last evaluated: 2023-11-10. Review status: criteria provided, single submitter. Criteria: Invitae Variant Classification Sherloc (09022015). Collection method: clinical testing. Allele origin: germline.
Comment: This sequence change creates a premature translational stop signal (p.Asn2285Ilefs*13) in the NF1 gene. It is expected to result in an absent or disrupted protein product. Loss-of-function variants in NF1 are known to be pathogenic (PMID: 10712197, 23913538). This variant is not present in population databases (gnomAD no frequency). This variant has not been reported in the literature in individuals affected with NF1-related conditions. For these reasons, this variant has been classified as Pathogenic.

Literature cited by the submitters: PubMed 10712197 (cited by Labcorp Genetics (formerly Invitae), Labcorp); PubMed 23913538 (cited by Labcorp Genetics (formerly Invitae), Labcorp).